The following is an entry in ClinVar:

NM_000330.4(RS1):c.96dup (p.Trp33fs)

Gene: RS1 (retinoschisin 1; minus strand). Cytogenetic location: Xp22.13.
Variant type: Duplication.
Coding change: c.96dup on transcript NM_000330.4 (MANE Select); coding-DNA position 96, one base duplicated (C; older notation c.96dupC).
Protein change: p.Trp33fs; shifts the reading frame from tryptophan 33.
Molecular consequence: frameshift variant.
Genome position (GRCh38, 1-based): chrX:18,656,741, G duplicated on the plus strand (C on the coding strand, the reverse complement: RS1 is on the minus strand); the first of 4 consecutive G bases (chrX:18,656,741-18,656,744); duplicating any one gives the same sequence. VCF-style (leftmost placement, unchanged base first): chrX-18656740-A-AG. GRCh37 (hg19) VCF-style: chrX-18674860-A-AG.
Other names: NM_000330.4:c.96dup; short protein forms W33fs.
Identifiers: ClinVar variation 3899904 (VCV003899904.1).
Genomic context (GRCh38, chrX:18,656,740, plus strand): 5'-CTGCAGACCACAGAGCATTGGGTCCTCCTTGGCAATCGCACTTGCATGCTTTTTGGTACC[A>AG]GGGGTCCTCGCCTTCATCCTGCAGCCAACCAGAGAGGCAGGGCAGAAAAGTCACGGTCAA-3'

ClinVar aggregate classification (germline): Pathogenic (3 of 4 stars; one submission).

Conditions:
Juvenile retinoschisis (RS1). Also called: X-Linked Juvenile Retinoschisis; X-linked retinoschisis. Identifiers: Orphanet 792, MedGen C3714753, MONDO:0010725, OMIM 312700.

Submission:

ClinGen X-linked Inherited Retinal Disease Variant Curation Expert Panel, ClinGen
Classification: Pathogenic for Juvenile retinoschisis. Last evaluated: 2025-05-19. Review status: reviewed by expert panel. Criteria: ClinGen X LinkedIRD ACMG Specifications RS1 V1.0.0. Collection method: curation. Allele origin: germline. Inheritance: X-linked inheritance.
Comment: The NM_000330.4(RS1):c.96dup variant is a frameshift variant due to one nucleotide duplication introducing a premature stop codon after 53 amino acids and causing a truncated protein. This is a frameshift variant that introduces a premature stop codon between amino acids 1-223 that is predicted to either trigger nonsense-mediated decay or to disrupt a critical C-terminal region required for proper multimerization of RS1 (PVS1, PMID: 19849666). This variant is absent from hemizygous individuals in gnomAD v4.1.0 (PM2_Supporting). At least one proband harboring this variant exhibits a phenotype including appearance of schisis and reduced visual acuity before age 13 years, which together are specific for X-linked retinoschisis (PMID: 30450322, PP4). This variant has been reported in at least 2 apparently unrelated probands meeting the PS4 requirement of a male diagnosed with X-linked retinoschisis (PMIDs: 35456481, 29739629, PS4_Supporting). In summary, this variant is classified as pathogenic for X-linked retinoschisis based on the ClinGen X-linked Inherited Retinal Disease Expert Panel Specifications to the ACMG/AMP Variant Interpretation Guidelines for RS1 Version 1.0.0: PVS1, PP4, PS4_supporting, and PM2_supporting (date of approval 01/24/2025).